The following is an entry in ClinVar:

NM_057175.5(NAA15):c.1422A>G (p.Ser474=)

Gene: NAA15 (N-alpha-acetyltransferase 15, NatA auxiliary subunit; plus strand). Cytogenetic location: 4q31.1.
Variant type: single nucleotide variant.
Coding change: c.1422A>G on transcript NM_057175.5 (MANE Select); coding-DNA position 1422, A replaced by G.
Protein change: p.Ser474=; no amino-acid change (serine 474 retained).
Molecular consequence: synonymous variant.
Genome position (GRCh38, 1-based): chr4:139,360,511, A>G. VCF-style: chr4-139360511-A-G. GRCh37 (hg19) VCF-style: chr4-140281665-A-G.
Other names: c.1422A>G, p.Ser474= (NM_001410842.1, NM_025085.2).
Identifiers: ClinVar variation 2062844 (VCV002062844.29), dbSNP rs201386221, ClinGen allele CA3083642.

ClinVar aggregate classification (germline): Likely benign. Review status: criteria provided, multiple submitters, no conflicts (2 of 4 stars). 3 submissions from 3 submitters: Likely benign (3). Last evaluated 2026-01-07.

Allele frequency attached by ClinVar (database versions not stated): ExAC 0.00020; ESP Exome Variant Server 0.00025; TOPMed 0.00031; gnomAD 0.00034; gnomAD exomes 0.00055.
gnomAD v4.1: 830 of 1,588,690 alleles (0.052%); highest among the groups gnomAD compares: Non-Finnish European, 0.068%; no homozygotes.

Submissions (3):

Labcorp Genetics (formerly Invitae), Labcorp
Classification: Likely benign. Last evaluated: 2026-01-07. Review status: criteria provided, single submitter. Criteria: Invitae Variant Classification Sherloc (09022015). Collection method: clinical testing. Allele origin: germline.

Blueprint Genetics
Classification: Likely benign. Last evaluated: 2024-07-18. Review status: criteria provided, single submitter. Criteria: ACMG Guidelines, 2015. Collection method: clinical testing. Allele origin: germline.

CeGaT Center for Human Genetics Tuebingen
Classification: Likely benign. Last evaluated: 2024-01-01. Review status: criteria provided, single submitter. Criteria: CeGaT Center For Human Genetics Tuebingen Variant Classification Criteria Version 2. Collection method: clinical testing. Allele origin: germline. Affected: yes. Observed: 2 variant alleles.
Comment: NAA15: BP4, BP7